The following is an entry in ClinVar:

ClinVar aggregate classification (germline): Uncertain significance (1 of 4 stars; one submission).

Conditions:
Cardiovascular phenotype. Identifiers: MedGen CN230736.

Submission:

Ambry Genetics
Classification: Uncertain significance for Cardiovascular phenotype. Last evaluated: 2025-06-24. Review status: criteria provided, single submitter. Criteria: Ambry Variant Classification Scheme 2023. Collection method: clinical testing. Allele origin: germline.
Comment: The c.-5A>T variant is located in the 5' untranslated region (5&rsquo; UTR) of the EYA4 gene. This variant results from an A to T substitution 5 bases upstream from the first translated codon. This nucleotide position is well conserved in available vertebrate species. Based on the available evidence, the clinical significance of this variant remains unclear.

NM_004100.5(EYA4):c.-5A>T

Gene: EYA4 (EYA transcriptional coactivator and phosphatase 4; plus strand). Cytogenetic location: 6q23.2.
Variant type: single nucleotide variant.
Coding change: c.-5A>T on transcript NM_004100.5 (MANE Select); 5 bases upstream of the start codon, A replaced by T.
Molecular consequence: 5 prime UTR variant.
Genome position (GRCh38, 1-based): chr6:133,274,776, A>T. VCF-style: chr6-133274776-A-T. GRCh37 (hg19) VCF-style: chr6-133595914-A-T.
Other names: c.-5A>T (NM_001301012.2, NM_001301013.2, NM_001370458.1 and 3 more transcripts).
Identifiers: ClinVar variation 4252194 (VCV004252194.1).